The following is an entry in ClinVar:

NM_002294.3(LAMP2):c.554A>G (p.Asn185Ser)

Gene: LAMP2 (lysosome associated membrane protein 2; minus strand). Cytogenetic location: Xq24.
Variant type: single nucleotide variant.
Coding change: c.554A>G on transcript NM_002294.3 (MANE Select); coding-DNA position 554, A replaced by G.
Protein change: p.Asn185Ser; replaces asparagine 185 with serine.
Molecular consequence: missense variant.
Genome position (GRCh38, 1-based): chrX:120,448,972, T>C on the plus strand (A>G on the coding strand, the complement: LAMP2 is on the minus strand). VCF-style: chrX-120448972-T-C. GRCh37 (hg19) VCF-style: chrX-119582827-T-C.
Other names: c.554A>G, p.Asn185Ser (NM_013995.2, NM_001122606.1); short protein forms N185S.
Identifiers: ClinVar variation 1037507 (VCV001037507.8), dbSNP rs1207197859, ClinGen allele CA414401838.

ClinVar aggregate classification (germline): Uncertain significance (1 of 4 stars; one submission).

Conditions:
Danon disease. Also called: PSEUDOGLYCOGENOSIS II; GSD IIb; LYSOSOMAL GLYCOGEN STORAGE DISEASE WITHOUT ACID MALTASE DEFICIENCY; ANTOPOL DISEASE; Glycogen Storage Disease Type IIb. Identifiers: Orphanet 34587, MedGen C0878677, MONDO:0010281, OMIM 300257.

Allele frequency attached by ClinVar (database versions not stated): TOPMed below 0.00001.

Submission:

Labcorp Genetics (formerly Invitae), Labcorp
Classification: Uncertain significance for Danon disease. Last evaluated: 2023-09-25. Review status: criteria provided, single submitter. Criteria: Invitae Variant Classification Sherloc (09022015). Collection method: clinical testing. Allele origin: germline.
Comment: In summary, the available evidence is currently insufficient to determine the role of this variant in disease. Therefore, it has been classified as a Variant of Uncertain Significance. An algorithm developed to predict the effect of missense changes on protein structure and function (PolyPhen-2) suggests that this variant is likely to be tolerated. ClinVar contains an entry for this variant (Variation ID: 1037507). This variant has not been reported in the literature in individuals affected with LAMP2-related conditions. This variant is not present in population databases (gnomAD no frequency). This sequence change replaces asparagine, which is neutral and polar, with serine, which is neutral and polar, at codon 185 of the LAMP2 protein (p.Asn185Ser).